The following is an entry in ClinVar:

ClinVar aggregate classification (germline): Uncertain significance (1 of 4 stars; one submission).

Submission:

GeneDx
Classification: Uncertain significance. Last evaluated: 2022-02-23. Review status: criteria provided, single submitter. Criteria: GeneDx Variant Classification Process June 2021. Collection method: clinical testing. Allele origin: germline. Affected: yes.
Comment: Not observed at significant frequency in large population cohorts (gnomAD); In silico analysis supports that this missense variant has a deleterious effect on protein structure/function; Has not been previously published as pathogenic or benign to our knowledge

NM_004463.3(FGD1):c.1354C>T (p.Arg452Cys)

Gene: FGD1 (FYVE, RhoGEF and PH domain containing 1; minus strand). Cytogenetic location: Xp11.22.
Variant type: single nucleotide variant.
Coding change: c.1354C>T on transcript NM_004463.3 (MANE Select); coding-DNA position 1354, C replaced by T.
Protein change: p.Arg452Cys; replaces arginine 452 with cysteine.
Molecular consequence: missense variant.
Genome position (GRCh38, 1-based): chrX:54,465,839, G>A on the plus strand (C>T on the coding strand, the complement: FGD1 is on the minus strand). VCF-style: chrX-54465839-G-A. GRCh37 (hg19) VCF-style: chrX-54492272-G-A.
Other names: short protein forms R452C.
Identifiers: ClinVar variation 1703307 (VCV001703307.2), dbSNP rs867914854, ClinGen allele CA328937326.